The following is an entry in ClinVar:

ClinVar aggregate classification (germline): Conflicting classifications of pathogenicity. Review status: criteria provided, conflicting classifications (1 of 4 stars). 9 submissions from 9 submitters: Uncertain significance (7); Likely benign (2). Last evaluated 2025-12-30.

Conditions:
Breast-ovarian cancer, familial, susceptibility to, 1 (BROVCA1). Also called: BRCA1 Hereditary Breast and Ovarian Cancer; OVARIAN CANCER, SUSCEPTIBILITY TO. Identifiers: Orphanet 145, MedGen C2676676, MONDO:0011450, OMIM 604370. Disease mechanism: loss of function.
Hereditary cancer-predisposing syndrome. Also called: Tumor predisposition; Neoplastic Syndromes, Hereditary; Hereditary Cancer Syndrome; Hereditary neoplastic syndrome. Identifiers: Orphanet 140162, MedGen C0027672, MeSH D009386, MONDO:0015356.
Hereditary breast ovarian cancer syndrome. Also called: Hereditary breast and ovarian cancer; Hereditary breast and ovarian cancer syndrome; Hereditary breast and ovarian cancer syndrome (HBOC); Breast and ovarian cancer; BRCA1- and BRCA2-Associated Hereditary Breast and Ovarian Cancer; Hereditary breast and/or ovarian cancer syndrome. Identifiers: Orphanet 145, MedGen C0677776, MeSH D061325, MONDO:0003582. Disease mechanism: loss of function.
Fanconi anemia, complementation group S (FANCS). Identifiers: MedGen C4554406, MONDO:0054748, OMIM 617883.
Pancreatic cancer, susceptibility to, 4. Identifiers: Orphanet 1333, MedGen C3280442, MONDO:0013685, OMIM 614320.

Allele frequency attached by ClinVar (database versions not stated): ExAC 0.00001.
gnomAD v4.1: 6 of 1,614,212 alleles (0.00037%); highest among the groups gnomAD compares: South Asian, 0.0055%; no homozygotes.

Submissions (9):

Ambry Genetics
Classification: Uncertain significance for Hereditary cancer-predisposing syndrome. Last evaluated: 2025-12-30. Review status: criteria provided, single submitter. Criteria: Ambry Variant Classification Scheme 2023. Collection method: clinical testing. Allele origin: germline.

Labcorp Genetics (formerly Invitae), Labcorp
Classification: Uncertain significance for Hereditary breast ovarian cancer syndrome. Last evaluated: 2025-12-21. Review status: criteria provided, single submitter. Criteria: Invitae Variant Classification Sherloc (09022015). Collection method: clinical testing. Allele origin: germline.
Comment: This sequence change replaces histidine, which is basic and polar, with arginine, which is basic and polar, at codon 318 of the BRCA1 protein (p.His318Arg). This variant is present in population databases (rs776278453, gnomAD 0.01%). This variant has not been reported in the literature in individuals affected with BRCA1-related conditions. ClinVar contains an entry for this variant (Variation ID: 569329). Invitae Evidence Modeling of protein sequence and biophysical properties (such as structural, functional, and spatial information, amino acid conservation, physicochemical variation, residue mobility, and thermodynamic stability) indicates that this missense variant is not expected to disrupt BRCA1 protein function with a negative predictive value of 80%. In summary, the available evidence is currently insufficient to determine the role of this variant in disease. Therefore, it has been classified as a Variant of Uncertain Significance.

Quest Diagnostics Nichols Institute San Juan Capistrano
Classification: Uncertain significance. Last evaluated: 2025-05-02. Review status: criteria provided, single submitter. Criteria: Quest Diagnostics criteria. Collection method: clinical testing. Allele origin: unknown.
Comment: The BRCA1 c.953A>G (p.His318Arg) variant has been reported in the published literature in an individual with breast cancer (PMID: 38538877 (2024)), and described to be located in a region of the BRCA1 gene that is tolerant to missense sequence changes (PMID: 31911673 (2020)). The frequency of this variant in the general population (Genome Aggregation Database) is uninformative in the assessment of its pathogenicity. Analysis of this variant using bioinformatics tools for the prediction of the effect of amino acid changes on protein structure and function yielded predictions that this variant is benign. Based on the available information, we are unable to determine the clinical significance of this variant.

Center for Genomic Medicine, Rigshospitalet, Copenhagen University Hospital
Classification: Likely benign. Last evaluated: 2025-03-04. Review status: criteria provided, single submitter. Criteria: ACMG Guidelines, 2015. Collection method: clinical testing. Allele origin: germline.

Fulgent Genetics
Classification: Uncertain significance for Breast-ovarian cancer, familial, susceptibility to, 1; Pancreatic cancer, susceptibility to, 4; Fanconi anemia, complementation group S. Last evaluated: 2024-04-24. Review status: criteria provided, single submitter. Criteria: ACMG Guidelines, 2015. Collection method: clinical testing. Allele origin: germline.

University of Washington Department of Laboratory Medicine, University of Washington
Classification: Likely benign for Hereditary cancer-predisposing syndrome. Last evaluated: 2023-03-23. Review status: criteria provided, single submitter. Criteria: Dines et al. (Genet Med. 2020). Collection method: curation. Allele origin: germline.
Comment: Missense variant in a coldspot region where missense variants are very unlikely to be pathogenic (PMID:31911673).

BRCA1 coldspot (exon 11 using historical exon numbering). Reclassification based on statistical prior probability

GeneDx
Classification: Uncertain significance. Last evaluated: 2022-10-31. Review status: criteria provided, single submitter. Criteria: GeneDx Variant Classification Process June 2021. Collection method: clinical testing. Allele origin: germline. Affected: yes.
Comment: Not observed at significant frequency in large population cohorts (gnomAD); In silico analysis supports that this missense variant does not alter protein structure/function; Has not been previously published as pathogenic or benign to our knowledge; Also known as 1072A>G

Color Diagnostics, LLC DBA Color Health
Classification: Uncertain significance for Hereditary cancer-predisposing syndrome. Last evaluated: 2021-04-21. Review status: criteria provided, single submitter. Criteria: ACMG Guidelines, 2015. Collection method: clinical testing. Allele origin: germline.
Comment: This missense variant replaces histidine with arginine at codon 318 of the BRCA1 protein. Computational prediction is inconclusive regarding the impact of this variant on protein structure and function (internally defined REVEL score threshold 0.5 < inconclusive < 0.7, PMID: 27666373). To our knowledge, functional studies have not been reported for this variant. This variant has not been reported in individuals affected with hereditary cancer in the literature. This variant has been identified in 3/251430 chromosomes in the general population by the Genome Aggregation Database (gnomAD). The available evidence is insufficient to determine the role of this variant in disease conclusively. Therefore, this variant is classified as a Variant of Uncertain Significance.

Molecular Endocrinology Laboratory, Christian Medical College
Classification: Uncertain significance for Breast-ovarian cancer, familial, susceptibility to, 1. Review status: criteria provided, single submitter. Criteria: ACMG Guidelines, 2015. Collection method: clinical testing. Allele origin: germline. Affected: yes.

Literature cited by the submitters: PubMed 31911673 (cited by Quest Diagnostics Nichols Institute San Juan Capistrano); PubMed 38538877 (cited by Quest Diagnostics Nichols Institute San Juan Capistrano).

NM_007294.4(BRCA1):c.953A>G (p.His318Arg)

Gene: BRCA1 (BRCA1 DNA repair associated; minus strand). Cytogenetic location: 17q21.31.
Variant type: single nucleotide variant.
Coding change: c.953A>G on transcript NM_007294.4 (MANE Select); coding-DNA position 953, A replaced by G.
Protein change: p.His318Arg; replaces histidine 318 with arginine.
Molecular consequence: missense variant. On other transcripts: intron variant (137).
Genome position (GRCh38, 1-based): chr17:43,094,578, T>C on the plus strand (A>G on the coding strand, the complement: BRCA1 is on the minus strand). VCF-style: chr17-43094578-T-C. GRCh37 (hg19) VCF-style: chr17-41246595-T-C.
Other names: c.953A>G, p.His318Arg (NM_001407602.1, NM_001407603.1, NM_001407605.1 and 30 more transcripts); c.950A>G, p.His317Arg (NM_001407610.1, NM_001407611.1, NM_001407612.1 and 22 more transcripts); c.944A>G, p.His315Arg (NM_001407646.1, NM_001407647.1); c.830A>G, p.His277Arg (NM_001407648.1, NM_001407667.1, NM_001407668.1 and 19 more transcripts); c.827A>G, p.His276Arg (NM_001407649.1, NM_001407670.1, NM_001407671.1 and 11 more transcripts); c.875A>G, p.His292Arg (NM_001407653.1, NM_001407654.1, NM_001407655.1 and 4 more transcripts); c.812A>G, p.His271Arg (NM_001407692.1, NM_001407694.1, NM_001407695.1 and 29 more transcripts); c.809A>G, p.His270Arg (NM_001407740.1, NM_001407838.1, NM_001407839.1 and 20 more transcripts); and 40 more; short protein forms H318R, H271R, H191R, H230R, H248R, H251R, H291R, H315R.
Identifiers: ClinVar variation 569329 (VCV000569329.29), dbSNP rs776278453, ClinGen allele CA056922.